The following is an entry in ClinVar:

NM_014956.5(CEP164):c.854C>T (p.Ser285Phe)

Gene: CEP164 (centrosomal protein 164; plus strand). Cytogenetic location: 11q23.3.
Variant type: single nucleotide variant.
Coding change: c.854C>T on transcript NM_014956.5 (MANE Select); coding-DNA position 854, C replaced by T.
Protein change: p.Ser285Phe; replaces serine 285 with phenylalanine.
Molecular consequence: missense variant.
Genome position (GRCh38, 1-based): chr11:117,371,168, C>T. VCF-style: chr11-117371168-C-T. GRCh37 (hg19) VCF-style: chr11-117241884-C-T.
Other names: c.854C>T, p.Ser285Phe (NM_001271933.2, NM_001440949.1, NM_001440950.1 and 16 more transcripts); c.776C>T, p.Ser259Phe (NM_001440952.1, NM_001440954.1, NM_001440955.1 and 17 more transcripts); c.716C>T, p.Ser239Phe (NM_001440960.1); short protein forms S239F, S259F, S285F.
Identifiers: ClinVar variation 4999918 (VCV004999918.1).

ClinVar aggregate classification (germline): Uncertain significance (1 of 4 stars; one submission).

Conditions:
CEP164-related disorder. Also called: CEP164-related condition.

Submission:

PreventionGenetics, part of Exact Sciences
Classification: Uncertain significance for CEP164-related condition. Last evaluated: 2025-01-15. Review status: criteria provided, single submitter. Criteria: ACMG Guidelines, 2015. Collection method: clinical testing. Allele origin: germline.
Comment: The CEP164 c.854C>T variant is predicted to result in the amino acid substitution p.Ser285Phe. To our knowledge, this variant has not been reported in the literature or in a large population database (gnomAD), indicating this variant is rare. At this time, the clinical significance of this variant is uncertain due to the absence of conclusive functional and genetic evidence.